The following is an entry in ClinVar:

ClinVar aggregate classification (germline): Benign/Likely benign. Review status: criteria provided, multiple submitters, no conflicts (2 of 4 stars). 6 submissions from 6 submitters: Benign (1); Likely benign (4). 1 of the submissions does not count toward it. Last evaluated 2026-01-28.

Conditions:
FRAS1-related disorder. Also called: FRAS1-related condition.
Fraser syndrome 1 (FRASRS1). Also called: CRYPTOPHTHALMOS WITH OTHER MALFORMATIONS. Identifiers: Orphanet 2052, MedGen C4551480, MONDO:0054737, OMIM 219000.

Allele frequency attached by ClinVar (database versions not stated): gnomAD exomes 0.00120; gnomAD 0.00122 and 0.00116; ESP Exome Variant Server 0.00153; ExAC 0.00209; 1000 Genomes Project 0.00040; 1000 Genomes Project 30x 0.00047; TOPMed 0.00117.
gnomAD v4.1: 2,893 of 1,606,796 alleles (0.18%); highest among the groups gnomAD compares: Non-Finnish European, 0.23%; 6 homozygotes.

Submissions (6):

Labcorp Genetics (formerly Invitae), Labcorp
Classification: Benign. Last evaluated: 2026-01-28. Review status: criteria provided, single submitter. Criteria: Invitae Variant Classification Sherloc (09022015). Collection method: clinical testing. Allele origin: germline.

CeGaT Center for Human Genetics Tuebingen
Classification: Likely benign. Last evaluated: 2025-11-01. Review status: criteria provided, single submitter. Criteria: CeGaT Center For Human Genetics Tuebingen Variant Classification Criteria Version 2. Collection method: clinical testing. Allele origin: germline. Affected: yes. Observed: 1 variant allele.
Comment: FRAS1: BP4, BP7

Mayo Clinic Laboratories, Mayo Clinic
Classification: Likely benign. Last evaluated: 2025-02-11. Review status: criteria provided, single submitter. Criteria: ACMG Guidelines, 2015. Collection method: clinical testing. Allele origin: germline. Observed: 1 variant allele.
Comment: BS1, BP4, BP7

Blueprint Genetics
Classification: Likely benign. Last evaluated: 2024-10-30. Review status: criteria provided, single submitter. Criteria: ACMG Guidelines, 2015. Collection method: clinical testing. Allele origin: germline.

Illumina Laboratory Services, Illumina
Classification: Likely benign for Fraser syndrome 1. Last evaluated: 2018-01-12. Review status: criteria provided, single submitter. Criteria: ICSL Variant Classification Criteria 13 December 2019. Collection method: clinical testing. Allele origin: germline.
Comment: This variant was observed in the ICSL laboratory as part of a predisposition screen in an ostensibly healthy population. It had not been previously curated by ICSL or reported in the Human Gene Mutation Database (HGMD: prior to June 1st, 2018), and was therefore a candidate for classification through an automated scoring system. Utilizing variant allele frequency, disease prevalence and penetrance estimates, and inheritance mode, an automated score was calculated to assess if this variant is too frequent to cause the disease. Based on the score and internal cut-off values, a variant classified as likely benign is not then subjected to further curation. The score for this variant resulted in a classification of likely benign for this disease.

PreventionGenetics, part of Exact Sciences
Classification: Likely benign for FRAS1-related condition. Last evaluated: 2019-06-27. Review status: no assertion criteria provided. Collection method: clinical testing. Allele origin: germline. Not counted in ClinVar's aggregate classification.
Comment: This variant is classified as likely benign based on ACMG/AMP sequence variant interpretation guidelines (Richards et al. 2015 PMID: 25741868, with internal and published modifications).

NM_025074.7(FRAS1):c.4815G>A (p.Ala1605=)

Gene: FRAS1 (Fraser extracellular matrix complex subunit 1; plus strand). Cytogenetic location: 4q21.21.
Variant type: single nucleotide variant.
Coding change: c.4815G>A on transcript NM_025074.7 (MANE Select); coding-DNA position 4815, G replaced by A.
Protein change: p.Ala1605=; no amino-acid change (alanine 1605 retained).
Molecular consequence: synonymous variant.
Genome position (GRCh38, 1-based): chr4:78,429,198, G>A. VCF-style: chr4-78429198-G-A. GRCh37 (hg19) VCF-style: chr4-79350352-G-A.
Other names: p.Ala1605=; c.4815G>A, p.Ala1605= (NM_001166133.2).
Identifiers: ClinVar variation 349719 (VCV000349719.24), dbSNP rs201188262, ClinGen allele CA2977335.